The following is an entry in ClinVar:

NM_004655.4(AXIN2):c.1685C>G (p.Pro562Arg)

Gene: AXIN2 (axin 2; minus strand). Cytogenetic location: 17q24.1.
Variant type: single nucleotide variant.
Coding change: c.1685C>G on transcript NM_004655.4 (MANE Select); coding-DNA position 1685, C replaced by G.
Protein change: p.Pro562Arg; replaces proline 562 with arginine.
Molecular consequence: missense variant.
Genome position (GRCh38, 1-based): chr17:65,537,351, G>C on the plus strand (C>G on the coding strand, the complement: AXIN2 is on the minus strand). VCF-style: chr17-65537351-G-C. GRCh37 (hg19) VCF-style: chr17-63533469-G-C.
Other names: c.1685C>G, p.Pro562Arg (NM_001363813.1); short protein forms P562R.
Identifiers: ClinVar variation 3666150 (VCV003666150.2).
Genomic context (GRCh38, chr17:65,537,351, plus strand): 5'-CACACGGGACACTGCGGTCCGCCCGGCACTTACCCAAACTGCTCGCTGGGCATGGTTTCC[G>C]GAGCCTTGGAGTGGCTTTTGCATTTCGAGTAGCAGTAATACTCGCTGCCCCCAGGGCAGA-3'
Protein context (NP_004646.3, residues 552-572): YSKCKSHSKA[Pro562Arg]ETMPSEQFGG

ClinVar aggregate classification (germline): Uncertain significance (1 of 4 stars; one submission).

Conditions:
Oligodontia-cancer predisposition syndrome. Also called: TOOTH AGENESIS-COLORECTAL CANCER SYNDROME. Identifiers: Orphanet 300576, MedGen C1837750, MONDO:0012075, OMIM 608615. Disease mechanism: loss of function.

Submission:

Labcorp Genetics (formerly Invitae), Labcorp
Classification: Uncertain significance for Oligodontia-cancer predisposition syndrome. Last evaluated: 2025-06-02. Review status: criteria provided, single submitter. Criteria: Invitae Variant Classification Sherloc (09022015). Collection method: clinical testing. Allele origin: germline.
Comment: This sequence change replaces proline, which is neutral and non-polar, with arginine, which is basic and polar, at codon 562 of the AXIN2 protein (p.Pro562Arg). This variant is not present in population databases (gnomAD no frequency). This variant has not been reported in the literature in individuals affected with AXIN2-related conditions. ClinVar contains an entry for this variant (Variation ID: 3666150). Invitae Evidence Modeling of protein sequence and biophysical properties (such as structural, functional, and spatial information, amino acid conservation, physicochemical variation, residue mobility, and thermodynamic stability) indicates that this missense variant is not expected to disrupt AXIN2 protein function with a negative predictive value of 80%. In summary, the available evidence is currently insufficient to determine the role of this variant in disease. Therefore, it has been classified as a Variant of Uncertain Significance.